The following is an entry in ClinVar:

NM_007294.4(BRCA1):c.159C>A (p.Asn53Lys)

Gene: BRCA1 (BRCA1 DNA repair associated; minus strand). Cytogenetic location: 17q21.31.
Variant type: single nucleotide variant.
Coding change: c.159C>A on transcript NM_007294.4 (MANE Select); coding-DNA position 159, C replaced by A.
Protein change: p.Asn53Lys; replaces asparagine 53 with lysine.
Molecular consequence: missense variant. On other transcripts: non-coding transcript variant (1).
Genome position (GRCh38, 1-based): chr17:43,106,509, G>T on the plus strand (C>A on the coding strand, the complement: BRCA1 is on the minus strand). VCF-style: chr17-43106509-G-T. GRCh37 (hg19) VCF-style: chr17-41258526-G-T.
Other names: c.-30C>A (NM_001407954.1, NM_001407955.1, NM_001407956.1 and 58 more transcripts); c.18C>A, p.Asn6Lys (NM_001407964.1, NM_001408410.1, NM_001408452.1 and 99 more transcripts); c.159C>A, p.Asn53Lys (NM_001407968.1, NM_001407969.1, NM_001407970.1 and 168 more transcripts); short protein forms N53K, N6K.
Identifiers: ClinVar variation 867901 (VCV000867901.3), dbSNP rs1060504588, ClinGen allele CA10601838.

Conditions:
Breast-ovarian cancer, familial, susceptibility to, 1 (BROVCA1). Also called: BRCA1 Hereditary Breast and Ovarian Cancer; OVARIAN CANCER, SUSCEPTIBILITY TO. Identifiers: Orphanet 145, MedGen C2676676, MONDO:0011450, OMIM 604370. Disease mechanism: loss of function.

Submission:

Brotman Baty Institute, University of Washington
No classification provided (evidence only). Condition: Breast-ovarian cancer, familial 1. Review status: no classification provided. Collection method: in vitro. Allele origin: not applicable. Functional consequence: function_uncertain_variant.
ClinVar note: "not provided" was previously submitted as the classification for the variant. However, the classification appeared to be based only on an observation of functional data so it was converted to no classification on 2025-07-30.